The following is an entry in ClinVar:

NM_002439.5(MSH3):c.2893A>T (p.Lys965Ter)

Gene: MSH3 (mutS homolog 3; plus strand). Cytogenetic location: 5q14.1.
Variant type: single nucleotide variant.
Coding change: c.2893A>T on transcript NM_002439.5 (MANE Select); coding-DNA position 2893, A replaced by T.
Protein change: p.Lys965Ter; replaces lysine 965 with a stop codon.
Molecular consequence: nonsense.
Genome position (GRCh38, 1-based): chr5:80,854,209, A>T. VCF-style: chr5-80854209-A-T. GRCh37 (hg19) VCF-style: chr5-80150028-A-T.
Other names: short protein forms K965*.
Identifiers: ClinVar variation 2431312 (VCV002431312.4), dbSNP rs2478771709, ClinGen allele CA360275634.
Genomic context (GRCh38, chr5:80,854,209, plus strand): 5'-ATATATAAAGGACAGAGTACATTTATGGAAGAACTGACTGACACAGCAGAAATAATCAGA[A>T]AAGCAACATCACAGTCCTTGGTTATCTTGGATGAACTAGGAAGAGGGACGAGCACTCATG-3'

ClinVar aggregate classification (germline): Pathogenic. Review status: criteria provided, multiple submitters, no conflicts (2 of 4 stars). 2 submissions from 2 submitters: Pathogenic (2). Last evaluated 2023-10-29.

Conditions:
Familial adenomatous polyposis 4 (FAP4). Also called: MSH3-related attenuated familial adenomatous polyposis. Identifiers: Orphanet 480536, MedGen C4310719, MONDO:0044300, OMIM 617100.

Submissions (2):

Labcorp Genetics (formerly Invitae), Labcorp
Classification: Pathogenic. Last evaluated: 2023-10-29. Review status: criteria provided, single submitter. Criteria: Invitae Variant Classification Sherloc (09022015). Collection method: clinical testing. Allele origin: germline.
Comment: This sequence change creates a premature translational stop signal (p.Lys965*) in the MSH3 gene. It is expected to result in an absent or disrupted protein product. Loss-of-function variants in MSH3 are known to be pathogenic (PMID: 27476653, 37402566). This variant is not present in population databases (gnomAD no frequency). This variant has not been reported in the literature in individuals affected with MSH3-related conditions. ClinVar contains an entry for this variant (Variation ID: 2431312). For these reasons, this variant has been classified as Pathogenic.

Myriad Genetics, Inc.
Classification: Pathogenic for Familial adenomatous polyposis 4. Last evaluated: 2023-01-11. Review status: criteria provided, single submitter. Criteria: Myriad Autosomal Dominant, Autosomal Recessive and X-Linked Classification Criteria (2023). Collection method: clinical testing. Allele origin: unknown.
Comment: This variant is considered pathogenic. This variant creates a termination codon and is predicted to result in premature protein truncation.

Literature cited by the submitters: PubMed 27476653 (cited by Labcorp Genetics (formerly Invitae), Labcorp); PubMed 37402566 (cited by Labcorp Genetics (formerly Invitae), Labcorp).